The following is an entry in ClinVar:

NM_004621.6(TRPC6):c.23G>A (p.Gly8Glu)

Gene: TRPC6 (transient receptor potential cation channel subfamily C member 6; minus strand). Cytogenetic location: 11q22.1.
Variant type: single nucleotide variant.
Coding change: c.23G>A on transcript NM_004621.6 (MANE Select); coding-DNA position 23, G replaced by A.
Protein change: p.Gly8Glu; replaces glycine 8 with glutamic acid.
Molecular consequence: missense variant.
Genome position (GRCh38, 1-based): chr11:101,583,481, C>T on the plus strand (G>A on the coding strand, the complement: TRPC6 is on the minus strand). VCF-style: chr11-101583481-C-T. GRCh37 (hg19) VCF-style: chr11-101454212-C-T.
Other names: short protein forms G8E.
Identifiers: ClinVar variation 1308243 (VCV001308243.2), dbSNP rs1305747872, ClinGen allele CA382444294.

ClinVar aggregate classification (germline): Uncertain significance (1 of 4 stars; one submission).

gnomAD v4.1: 2 of 1,510,158 alleles (0.00013%); no homozygotes.

Submission:

GeneDx
Classification: Uncertain significance. Last evaluated: 2019-03-20. Review status: criteria provided, single submitter. Criteria: GeneDx Variant Classification Process June 2021. Collection method: clinical testing. Allele origin: germline. Affected: yes.
Comment: Not observed in large population cohorts (Lek et al., 2016; McVean et al., 2012; Exome Variant Server); In silico analysis, which includes protein predictors and evolutionary conservation, supports that this variant does not alter protein structure/function; Has not been previously published as pathogenic or benign to our knowledge